The following is an entry in ClinVar:

NM_001291867.2(NHS):c.1108G>A (p.Gly370Arg)

Gene: NHS (NHS actin remodeling regulator; plus strand). Cytogenetic location: Xp22.13.
Variant type: single nucleotide variant.
Coding change: c.1108G>A on transcript NM_001291867.2 (MANE Select); coding-DNA position 1108, G replaced by A.
Protein change: p.Gly370Arg; replaces glycine 370 with arginine.
Molecular consequence: missense variant.
Genome position (GRCh38, 1-based): chrX:17,721,633, G>A. VCF-style: chrX-17721633-G-A. GRCh37 (hg19) VCF-style: chrX-17739753-G-A.
Other names: c.577G>A, p.Gly193Arg (NM_001136024.4); c.514G>A, p.Gly172Arg (NM_001291868.2); c.1045G>A, p.Gly349Arg (NM_198270.4); short protein forms G349R, G193R, G172R, G370R.
Identifiers: ClinVar variation 167354 (VCV000167354.11), dbSNP rs727504041, ClinGen allele CA234380.

ClinVar aggregate classification (germline): Uncertain significance. Review status: criteria provided, multiple submitters, no conflicts (2 of 4 stars). 2 submissions from 2 submitters: Uncertain significance (2). Last evaluated 2022-03-26.

Conditions:
Nance-Horan syndrome (NHS). Identifiers: Orphanet 627, MedGen C0796085, MONDO:0010545, OMIM 302350.

Submissions (2):

Labcorp Genetics (formerly Invitae), Labcorp
Classification: Uncertain significance for Nance-Horan syndrome. Last evaluated: 2022-03-26. Review status: criteria provided, single submitter. Criteria: Invitae Variant Classification Sherloc (09022015). Collection method: clinical testing. Allele origin: germline.
Comment: In summary, the available evidence is currently insufficient to determine the role of this variant in disease. Therefore, it has been classified as a Variant of Uncertain Significance. Variants that disrupt the consensus splice site are a relatively common cause of aberrant splicing (PMID: 17576681, 9536098). Algorithms developed to predict the effect of sequence changes on RNA splicing suggest that this variant may disrupt the consensus splice site. Algorithms developed to predict the effect of missense changes on protein structure and function (SIFT, PolyPhen-2, Align-GVGD) all suggest that this variant is likely to be disruptive. ClinVar contains an entry for this variant (Variation ID: 167354). This missense change has been observed in individual(s) with clinical features of Nance-Horan syndrome (Invitae). This variant is not present in population databases (gnomAD no frequency). This sequence change replaces glycine, which is neutral and non-polar, with arginine, which is basic and polar, at codon 349 of the NHS protein (p.Gly349Arg). This variant also falls at the last nucleotide of exon 4, which is part of the consensus splice site for this exon.

Eurofins Ntd Llc (ga)
Classification: Uncertain significance. Last evaluated: 2013-12-19. Review status: criteria provided, single submitter. Criteria: EGL Classification Definitions 2015. Collection method: clinical testing. Allele origin: germline. Observed: 1 variant allele, 1 hemizygote.

Literature cited by the submitters: PubMed 17576681 (cited by Labcorp Genetics (formerly Invitae), Labcorp); PubMed 9536098 (cited by Labcorp Genetics (formerly Invitae), Labcorp).